The following is an entry in ClinVar:

NM_001040436.2(YARS2):c.-153G>C

Gene: YARS2 (tyrosyl-tRNA synthetase 2; minus strand). Cytogenetic location: 12p11.21.
Variant type: single nucleotide variant.
Coding change: c.-153G>C on transcript NM_001040436.2; 153 bases upstream of the start codon, G replaced by C.
Genome position (GRCh38, 1-based): chr12:32,756,027, C>G on the plus strand (G>C on the coding strand, the complement: YARS2 is on the minus strand). VCF-style: chr12-32756027-C-G. GRCh37 (hg19) VCF-style: chr12-32908961-C-G.
Identifiers: ClinVar variation 676438 (VCV000676438.4), dbSNP rs3827883, ClinGen allele CA13585661.

ClinVar aggregate classification (germline): Benign. Review status: criteria provided, multiple submitters, no conflicts (2 of 4 stars). 2 submissions from 2 submitters: Benign (2). Last evaluated 2018-06-14.

Allele frequency attached by ClinVar (database versions not stated): 1000 Genomes Project 30x 0.12883; gnomAD 0.14359 and 0.14051; TOPMed 0.14588; 1000 Genomes Project 0.12700.

Submissions (2):

GeneDx
Classification: Benign. Last evaluated: 2018-06-14. Review status: criteria provided, single submitter. Criteria: GeneDx Variant Classification (06012015). Collection method: clinical testing. Allele origin: germline. Affected: yes.
Comment: This variant is considered likely benign or benign based on one or more of the following criteria: it is a conservative change, it occurs at a poorly conserved position in the protein, it is predicted to be benign by multiple in silico algorithms, and/or has population frequency not consistent with disease.

Breakthrough Genomics
Classification: Benign. Review status: criteria provided, single submitter. Criteria: ACMG Guidelines, 2015. Collection method: not provided. Allele origin: germline. Inheritance: Autosomal recessive inheritance. Affected: yes.